The following is an entry in ClinVar:

NM_152564.5(VPS13B):c.2879T>G (p.Leu960Ter)

Gene: VPS13B (vacuolar protein sorting 13 homolog B; plus strand). Cytogenetic location: 8q22.2.
Variant type: single nucleotide variant.
Coding change: c.2879T>G on transcript NM_152564.5 (MANE Select); coding-DNA position 2879, T replaced by G.
Protein change: p.Leu960Ter; replaces leucine 960 with a stop codon.
Molecular consequence: nonsense.
Genome position (GRCh38, 1-based): chr8:99,384,262, T>G. VCF-style: chr8-99384262-T-G. GRCh37 (hg19) VCF-style: chr8-100396490-T-G.
Other names: c.2879T>G, p.Leu960Ter (NM_017890.5); short protein forms L960*.
Identifiers: ClinVar variation 1400540 (VCV001400540.6), dbSNP rs775378782, ClinGen allele CA371864780.

ClinVar aggregate classification (germline): Pathogenic (1 of 4 stars; one submission).

Conditions:
Cohen syndrome (COH1). Also called: PEPPER SYNDROME; Cutis verticis gyrata, retinitis pigmentosa, and sensorineural deafness. Identifiers: Orphanet 193, MedGen C0265223, MONDO:0008999, OMIM 216550.

Submission:

Labcorp Genetics (formerly Invitae), Labcorp
Classification: Pathogenic for Cohen syndrome. Last evaluated: 2022-01-17. Review status: criteria provided, single submitter. Criteria: Invitae Variant Classification Sherloc (09022015). Collection method: clinical testing. Allele origin: germline.
Comment: This sequence change creates a premature translational stop signal (p.Leu960*) in the VPS13B gene. It is expected to result in an absent or disrupted protein product. Loss-of-function variants in VPS13B are known to be pathogenic (PMID: 15141358, 16648375, 20461111). This variant is not present in population databases (gnomAD no frequency). This variant has not been reported in the literature in individuals affected with VPS13B-related conditions. For these reasons, this variant has been classified as Pathogenic.

Literature cited by the submitters: PubMed 15141358; PubMed 16648375; PubMed 20461111.